The following is an entry in ClinVar:

ClinVar aggregate classification (germline): Uncertain significance (1 of 4 stars; one submission).

gnomAD v4.1: 6 of 1,613,184 alleles (0.00037%); highest among the groups gnomAD compares: East Asian, 0.0045%; no homozygotes.

Submission:

Ambry Genetics
Classification: Uncertain significance. Last evaluated: 2025-09-12. Review status: criteria provided, single submitter. Criteria: Ambry Variant Classification Scheme 2023. Collection method: clinical testing. Allele origin: germline.
Comment: The p.H371R variant (also known as c.1112A>G), located in coding exon 11 of the RASA2 gene, results from an A to G substitution at nucleotide position 1112. The histidine at codon 371 is replaced by arginine, an amino acid with highly similar properties. This amino acid position is conserved. In addition, this alteration is predicted to be tolerated by in silico analysis. Based on the available evidence, the clinical significance of this variant remains unclear.

NM_006506.5(RASA2):c.1112A>G (p.His371Arg)

Gene: RASA2 (RAS p21 protein activator 2; plus strand). Cytogenetic location: 3q23.
Variant type: single nucleotide variant.
Coding change: c.1112A>G on transcript NM_006506.5 (MANE Select); coding-DNA position 1112, A replaced by G.
Protein change: p.His371Arg; replaces histidine 371 with arginine.
Molecular consequence: missense variant.
Genome position (GRCh38, 1-based): chr3:141,571,497, A>G. VCF-style: chr3-141571497-A-G. GRCh37 (hg19) VCF-style: chr3-141290339-A-G.
Other names: c.1112A>G, p.His371Arg (NM_001303245.3, NM_001303246.3); short protein forms H371R.
Identifiers: ClinVar variation 4150737 (VCV004150737.1).